The following is an entry in ClinVar:

ClinVar aggregate classification (germline): Uncertain significance (1 of 4 stars; one submission).

Conditions:
Early-infantile DEE. Also called: Ohtahara syndrome; Early infantile epileptic encephalopathy with suppression bursts; Early infantile epileptic encephalopathy. Identifiers: Orphanet 1934, MedGen C0393706, MONDO:0800491.

Allele frequency attached by ClinVar (database versions not stated): TOPMed below 0.00001; gnomAD exomes 0.00001.
gnomAD v4.1: 16 of 1,614,036 alleles (0.00099%); highest among the groups gnomAD compares: Non-Finnish European, 0.001%; no homozygotes.

Submission:

Labcorp Genetics (formerly Invitae), Labcorp
Classification: Uncertain significance for Early-infantile DEE. Last evaluated: 2022-02-09. Review status: criteria provided, single submitter. Criteria: Invitae Variant Classification Sherloc (09022015). Collection method: clinical testing. Allele origin: germline.
Comment: In summary, the available evidence is currently insufficient to determine the role of this variant in disease. Therefore, it has been classified as a Variant of Uncertain Significance. Algorithms developed to predict the effect of missense changes on protein structure and function (SIFT, PolyPhen-2, Align-GVGD) all suggest that this variant is likely to be tolerated. This variant has not been reported in the literature in individuals affected with SPTAN1-related conditions. This variant is not present in population databases (gnomAD no frequency). This sequence change replaces valine, which is neutral and non-polar, with alanine, which is neutral and non-polar, at codon 161 of the SPTAN1 protein (p.Val161Ala).

NM_001130438.3(SPTAN1):c.482T>C (p.Val161Ala)

Gene: SPTAN1 (spectrin alpha, non-erythrocytic 1; plus strand). Cytogenetic location: 9q34.11.
Variant type: single nucleotide variant.
Coding change: c.482T>C on transcript NM_001130438.3 (MANE Select); coding-DNA position 482, T replaced by C.
Protein change: p.Val161Ala; replaces valine 161 with alanine.
Molecular consequence: missense variant.
Genome position (GRCh38, 1-based): chr9:128,574,793, T>C. VCF-style: chr9-128574793-T-C. GRCh37 (hg19) VCF-style: chr9-131337072-T-C.
Other names: c.482T>C, p.Val161Ala (NM_001195532.2, NM_001363759.2, NM_001363765.2 and 5 more transcripts); c.518T>C, p.Val173Ala (NM_001375312.2, NM_001375318.1); short protein forms V173A, V161A.
Identifiers: ClinVar variation 2156500 (VCV002156500.4), dbSNP rs1851116185, ClinGen allele CA375052666.
Genomic context (GRCh38, chr9:128,574,793, plus strand): 5'-AAGGAATCAAACTGCTGCAGGCCCAGAAGTTGGTGCAGTACTTACGAGAATGTGAGGACG[T>C]GATGGACTGGATCAATGACAAGGCACGTTTTGGGAAGAAGGGTTTGCTAAGCTTTACTCA-3'
Protein context (NP_001123910.1, residues 151-171): LVQYLRECED[Val161Ala]MDWINDKEAI